The following is an entry in ClinVar:

NM_000152.5(GAA):c.2525C>T (p.Ala842Val)

Gene: GAA (alpha glucosidase; plus strand). Cytogenetic location: 17q25.3.
Variant type: single nucleotide variant.
Coding change: c.2525C>T on transcript NM_000152.5 (MANE Select); coding-DNA position 2525, C replaced by T.
Protein change: p.Ala842Val; replaces alanine 842 with valine.
Molecular consequence: missense variant.
Genome position (GRCh38, 1-based): chr17:80,118,236, C>T. VCF-style: chr17-80118236-C-T. GRCh37 (hg19) VCF-style: chr17-78092035-C-T.
Other names: c.2525C>T, p.Ala842Val (NM_001079803.3, NM_001079804.3); short protein forms A842V.
Identifiers: ClinVar variation 1056614 (VCV001056614.9), dbSNP rs2143929732, ClinGen allele CA401326074.
Genomic context (GRCh38, chr17:80,118,236, plus strand): 5'-TGTCCTTCCCTTTCCAGGGCCCTGGCCTCACAACCACAGAGTCCCGCCAGCAGCCCATGG[C>T]CCTGGCTGTGGCCCTGACCAAGGGTGGGGAGGCCCGAGGGGAGCTGTTCTGGGACGATGG-3'
Protein context (NP_000143.2, residues 832-852): TTTESRQQPM[Ala842Val]LAVALTKGGE

ClinVar aggregate classification (germline): Uncertain significance (1 of 4 stars; one submission).

Conditions:
Glycogen storage disease, type II (IOPD). Also called: Glucosidase acid-1,4-alpha deficiency; CARDIOMEGALIA GLYCOGENICA DIFFUSA; GLYCOGENOSIS, GENERALIZED, CARDIAC FORM; GSD II; ACID MALTASE DEFICIENCY, INFANTILE-ONSET; POMPE DISEASE, INFANTILE-ONSET. Identifiers: Orphanet 365, MedGen C0017921, MONDO:0009290, OMIM 232300.

Submission:

Labcorp Genetics (formerly Invitae), Labcorp
Classification: Uncertain significance for Glycogen storage disease, type II. Last evaluated: 2020-06-29. Review status: criteria provided, single submitter. Criteria: Invitae Variant Classification Sherloc (09022015). Collection method: clinical testing. Allele origin: germline.
Comment: Algorithms developed to predict the effect of missense changes on protein structure and function (SIFT, PolyPhen-2, Align-GVGD) all suggest that this variant is likely to be tolerated, but these predictions have not been confirmed by published functional studies and their clinical significance is uncertain. In summary, the available evidence is currently insufficient to determine the role of this variant in disease. Therefore, it has been classified as a Variant of Uncertain Significance. This variant has not been reported in the literature in individuals with GAA-related conditions. This variant is not present in population databases (ExAC no frequency). This sequence change replaces alanine with valine at codon 842 of the GAA protein (p.Ala842Val). The alanine residue is moderately conserved and there is a small physicochemical difference between alanine and valine.